The following is an entry in ClinVar:

NM_006876.3(B4GAT1):c.994G>A (p.Gly332Arg)

Gene: B4GAT1 (beta-1,4-glucuronyltransferase 1; minus strand). Cytogenetic location: 11q13.2.
Variant type: single nucleotide variant.
Coding change: c.994G>A on transcript NM_006876.3 (MANE Select); coding-DNA position 994, G replaced by A.
Protein change: p.Gly332Arg; replaces glycine 332 with arginine.
Molecular consequence: missense variant.
Genome position (GRCh38, 1-based): chr11:66,346,552, C>T on the plus strand (G>A on the coding strand, the complement: B4GAT1 is on the minus strand). VCF-style: chr11-66346552-C-T. GRCh37 (hg19) VCF-style: chr11-66114023-C-T.
Other names: short protein forms G332R.
Identifiers: ClinVar variation 855519 (VCV000855519.7), dbSNP rs775935595, ClinGen allele CA6120482.

ClinVar aggregate classification (germline): Uncertain significance (1 of 4 stars; one submission).

Conditions:
Muscular dystrophy-dystroglycanopathy (congenital with brain and eye anomalies), type A13. Also called: WALKER-WARBURG SYNDROME OR MUSCLE-EYE-BRAIN DISEASE, B3GNT1-RELATED; Muscular dystrophy-dystroglycanopathy (congenital with brain and eye anomalies), type a, 13. Identifiers: Orphanet 899, MedGen C3809042, MONDO:0014120, OMIM 615287.

Allele frequency attached by ClinVar (database versions not stated): ExAC 0.00001; gnomAD exomes 0.00001.
gnomAD v4.1: 4 of 1,613,616 alleles (0.00025%); highest among the groups gnomAD compares: Admixed American, 0.0033%; no homozygotes.

Submission:

Labcorp Genetics (formerly Invitae), Labcorp
Classification: Uncertain significance for Muscular dystrophy-dystroglycanopathy (congenital with brain and eye anomalies), type A13. Last evaluated: 2022-03-29. Review status: criteria provided, single submitter. Criteria: Invitae Variant Classification Sherloc (09022015). Collection method: clinical testing. Allele origin: germline.
Comment: In summary, the available evidence is currently insufficient to determine the role of this variant in disease. Therefore, it has been classified as a Variant of Uncertain Significance. This sequence change replaces glycine, which is neutral and non-polar, with arginine, which is basic and polar, at codon 332 of the B4GAT1 protein (p.Gly332Arg). This variant is present in population databases (rs775935595, gnomAD 0.006%). This variant has not been reported in the literature in individuals affected with B4GAT1-related conditions. ClinVar contains an entry for this variant (Variation ID: 855519). Algorithms developed to predict the effect of missense changes on protein structure and function (SIFT, PolyPhen-2, Align-GVGD) all suggest that this variant is likely to be tolerated.